The following is an entry in ClinVar:

ClinVar aggregate classification (germline): Uncertain significance (1 of 4 stars; one submission).

Allele frequency attached by ClinVar (database versions not stated): gnomAD 0.00001 and 0.00005; gnomAD exomes 0.00004 and 0.00008; ExAC 0.00005.
gnomAD v4.1: 120 of 1,612,666 alleles (0.0074%); highest among the groups gnomAD compares: East Asian, 0.26%; 1 homozygote.

Submission:

Labcorp Genetics (formerly Invitae), Labcorp
Classification: Uncertain significance. Last evaluated: 2021-08-20. Review status: criteria provided, single submitter. Criteria: Invitae Variant Classification Sherloc (09022015). Collection method: clinical testing. Allele origin: germline.
Comment: This sequence change replaces alanine with threonine at codon 630 of the SCLT1 protein (p.Ala630Thr). The alanine residue is highly conserved and there is a small physicochemical difference between alanine and threonine. This variant is present in population databases (rs766763388, ExAC 0.07%). This variant has not been reported in the literature in individuals affected with SCLT1-related conditions. Algorithms developed to predict the effect of missense changes on protein structure and function are either unavailable or do not agree on the potential impact of this missense change (SIFT: "Tolerated"; PolyPhen-2: "Probably Damaging"; Align-GVGD: "Class C0"). In summary, the available evidence is currently insufficient to determine the role of this variant in disease. Therefore, it has been classified as a Variant of Uncertain Significance.

NM_144643.4(SCLT1):c.1888G>A (p.Ala630Thr)

Gene: SCLT1 (sodium channel and clathrin linker 1; minus strand). Cytogenetic location: 4q28.2.
Variant type: single nucleotide variant.
Coding change: c.1888G>A on transcript NM_144643.4 (MANE Select); coding-DNA position 1888, G replaced by A.
Protein change: p.Ala630Thr; replaces alanine 630 with threonine.
Molecular consequence: missense variant.
Genome position (GRCh38, 1-based): chr4:128,891,079, C>T on the plus strand (G>A on the coding strand, the complement: SCLT1 is on the minus strand). VCF-style: chr4-128891079-C-T. GRCh37 (hg19) VCF-style: chr4-129812234-C-T.
Other names: short protein forms A630T.
Identifiers: ClinVar variation 1435655 (VCV001435655.5), dbSNP rs766763388, ClinGen allele CA3079487.